The following is an entry in ClinVar:

ClinVar aggregate classification (germline): Uncertain significance. Review status: criteria provided, multiple submitters, no conflicts (2 of 4 stars). 2 submissions from 2 submitters: Uncertain significance (2). Last evaluated 2025-04-02.

Conditions:
Inborn genetic diseases. Identifiers: MedGen C0950123, MeSH D030342.
Mitochondrial hypertrophic cardiomyopathy with lactic acidosis due to MTO1 deficiency. Also called: CARDIOMYOPATHY, INFANTILE HYPERTROPHIC MITOCHONDRIAL, AND LACTIC ACIDOSIS; Combined oxidative phosphorylation deficiency 10. Identifiers: Orphanet 314637, MedGen C4749921, MONDO:0013865, OMIM 614702.

Submissions (2):

Ambry Genetics
Classification: Uncertain significance for Inborn genetic diseases. Last evaluated: 2025-04-02. Review status: criteria provided, single submitter. Criteria: Ambry Variant Classification Scheme 2023. Collection method: clinical testing. Allele origin: germline.

Labcorp Genetics (formerly Invitae), Labcorp
Classification: Uncertain significance for Mitochondrial hypertrophic cardiomyopathy with lactic acidosis due to MTO1 deficiency. Last evaluated: 2022-08-09. Review status: criteria provided, single submitter. Criteria: Invitae Variant Classification Sherloc (09022015). Collection method: clinical testing. Allele origin: germline.
Comment: This sequence change replaces proline, which is neutral and non-polar, with leucine, which is neutral and non-polar, at codon 35 of the MTO1 protein (p.Pro35Leu). This variant is present in population databases (rs777113004, gnomAD 0.03%). This variant has not been reported in the literature in individuals affected with MTO1-related conditions. ClinVar contains an entry for this variant (Variation ID: 1371024). Algorithms developed to predict the effect of missense changes on protein structure and function (SIFT, PolyPhen-2, Align-GVGD) all suggest that this variant is likely to be tolerated. In summary, the available evidence is currently insufficient to determine the role of this variant in disease. Therefore, it has been classified as a Variant of Uncertain Significance.

NM_012123.4(MTO1):c.104C>T (p.Pro35Leu)

Gene: MTO1 (mitochondrial tRNA translation optimization 1; plus strand). Cytogenetic location: 6q13.
Variant type: single nucleotide variant.
Coding change: c.104C>T on transcript NM_012123.4 (MANE Select); coding-DNA position 104, C replaced by T.
Protein change: p.Pro35Leu; replaces proline 35 with leucine.
Molecular consequence: missense variant.
Genome position (GRCh38, 1-based): chr6:73,461,958, C>T. VCF-style: chr6-73461958-C-T. GRCh37 (hg19) VCF-style: chr6-74171681-C-T.
Other names: c.104C>T, p.Pro35Leu (NM_001123226.2, NM_133645.3); c.104C>T (NM_001123226.1); short protein forms P35L.
Identifiers: ClinVar variation 1371024 (VCV001371024.4), dbSNP rs777113004, ClinGen allele CA3889222.
Genomic context (GRCh38, chr6:73,461,958, plus strand): 5'-TCACCAAGCAGCAATTTCCGTTGGCACGGTTGAGCAGTGACAGCGCGGCGCCCCGGACTC[C>T]GCACTTCGACGTGATAGTCATTGGTGGAGGACATGCCGGGACTGAGGCAGCCACCGCCGC-3'
Protein context (NP_036255.2, residues 25-45): LSSDSAAPRT[Pro35Leu]HFDVIVIGGG